The following is an entry in ClinVar:

ClinVar aggregate classification (germline): Uncertain significance. Review status: criteria provided, multiple submitters, no conflicts (2 of 4 stars). 2 submissions from 2 submitters: Uncertain significance (2). Last evaluated 2024-03-06.

Conditions:
Primary ciliary dyskinesia. Also called: Ciliary dyskinesia. Identifiers: Orphanet 244, MedGen C0008780, MONDO:0016575, HP:0012265.

Allele frequency attached by ClinVar (database versions not stated): gnomAD exomes 0.00001 and 0.00002; TOPMed 0.00002.
gnomAD v4.1: 8 of 1,564,008 alleles (0.00051%); highest among the groups gnomAD compares: Admixed American, 0.0095%; no homozygotes.

Submissions (2):

Labcorp Genetics (formerly Invitae), Labcorp
Classification: Uncertain significance for Primary ciliary dyskinesia. Last evaluated: 2024-03-06. Review status: criteria provided, single submitter. Criteria: Invitae Variant Classification Sherloc (09022015). Collection method: clinical testing. Allele origin: germline.
Comment: This sequence change replaces serine, which is neutral and polar, with glycine, which is neutral and non-polar, at codon 920 of the CCDC39 protein (p.Ser920Gly). The frequency data for this variant in the population databases is considered unreliable, as metrics indicate poor data quality at this position in the gnomAD database. This variant has not been reported in the literature in individuals affected with CCDC39-related conditions. ClinVar contains an entry for this variant (Variation ID: 649426). Algorithms developed to predict the effect of missense changes on protein structure and function output the following: SIFT: "Not Available"; PolyPhen-2: "Not Available"; Align-GVGD: "Not Available". The glycine amino acid residue is found in multiple mammalian species, which suggests that this missense change does not adversely affect protein function. In summary, the available evidence is currently insufficient to determine the role of this variant in disease. Therefore, it has been classified as a Variant of Uncertain Significance.

Ambry Genetics
Classification: Uncertain significance for Primary ciliary dyskinesia. Last evaluated: 2022-08-07. Review status: criteria provided, single submitter. Criteria: Ambry Variant Classification Scheme 2023. Collection method: clinical testing. Allele origin: germline.
Comment: The p.S920G variant (also known as c.2758A>G), located in coding exon 20 of the CCDC39 gene, results from an A to G substitution at nucleotide position 2758. The serine at codon 920 is replaced by glycine, an amino acid with similar properties. This amino acid position is conserved. In addition, this alteration is predicted to be tolerated by in silico analysis. Since supporting evidence is limited at this time, the clinical significance of this alteration remains unclear.

NM_181426.2(CCDC39):c.2758A>G (p.Ser920Gly)

Genes: TTC14 (tetratricopeptide repeat domain 14; plus strand), CCDC39 (coiled-coil domain 39 molecular ruler complex subunit; minus strand). Cytogenetic location: 3q26.33.
Variant type: single nucleotide variant.
Coding change: c.2758A>G on transcript NM_181426.2 (MANE Select); coding-DNA position 2758, A replaced by G.
Protein change: p.Ser920Gly; replaces serine 920 with glycine.
Molecular consequence: missense variant. On other transcripts: intron variant (1).
Genome position (GRCh38, 1-based): chr3:180,614,989, T>C on the plus strand (A>G on the coding strand, the complement: CCDC39 is on the minus strand). VCF-style: chr3-180614989-T-C. GRCh37 (hg19) VCF-style: chr3-180332777-T-C.
Other names: c.1775-2391T>C (NM_001288582.2); short protein forms S920G.
Identifiers: ClinVar variation 649426 (VCV000649426.8), dbSNP rs977401121, ClinGen allele CA88625618.